The following is an entry in ClinVar:

ClinVar aggregate classification (germline): Uncertain significance (1 of 4 stars; one submission).

Conditions:
Cardiovascular phenotype. Identifiers: MedGen CN230736.

Submission:

Ambry Genetics
Classification: Uncertain significance for Cardiovascular phenotype. Last evaluated: 2026-07-07. Review status: criteria provided, single submitter. Criteria: Ambry Variant Classification Scheme 2023. Collection method: clinical testing. Allele origin: germline.
Comment: The p.S4667G variant (also known as c.13999A>G), located in coding exon 97 of the RYR2 gene, results from an A to G substitution at nucleotide position 13999. The serine at codon 4667 is replaced by glycine, an amino acid with similar properties. This amino acid position is conserved. In addition, the in silico prediction for this alteration is inconclusive. Based on the available evidence, the clinical significance of this variant remains unclear.

NM_001035.3(RYR2):c.13999A>G (p.Ser4667Gly)

Gene: RYR2 (ryanodine receptor 2; plus strand). Cytogenetic location: 1q43.
Variant type: single nucleotide variant.
Coding change: c.13999A>G on transcript NM_001035.3 (MANE Select); coding-DNA position 13999, A replaced by G.
Protein change: p.Ser4667Gly; replaces serine 4667 with glycine.
Molecular consequence: missense variant.
Genome position (GRCh38, 1-based): chr1:237,798,079, A>G. VCF-style: chr1-237798079-A-G. GRCh37 (hg19) VCF-style: chr1-237961379-A-G.
Other names: short protein forms S4667G.
Identifiers: ClinVar variation 5028681 (VCV005028681.1).